The following is an entry in ClinVar:

NM_014363.6(SACS):c.5502G>C (p.Leu1834=)

Gene: SACS (sacsin molecular chaperone; minus strand). Cytogenetic location: 13q12.12.
Variant type: single nucleotide variant.
Coding change: c.5502G>C on transcript NM_014363.6 (MANE Select); coding-DNA position 5502, G replaced by C.
Protein change: p.Leu1834=; no amino-acid change (leucine 1834 retained).
Molecular consequence: synonymous variant.
Genome position (GRCh38, 1-based): chr13:23,338,374, C>G on the plus strand (G>C on the coding strand, the complement: SACS is on the minus strand). VCF-style: chr13-23338374-C-G. GRCh37 (hg19) VCF-style: chr13-23912513-C-G.
Other names: p.Leu1834=; c.5061G>C, p.Leu1687= (NM_001278055.2); c.5502G>C (NM_014363.4).
Identifiers: ClinVar variation 695691 (VCV000695691.24), dbSNP rs34389000, ClinGen allele CA6911240.

ClinVar aggregate classification (germline): Conflicting classifications of pathogenicity. Review status: criteria provided, conflicting classifications (1 of 4 stars). 7 submissions from 7 submitters: Uncertain significance (1); Benign (4); Likely benign (1). 1 of the submissions does not count toward it. Last evaluated 2026-02-02.

Conditions:
Spastic paraplegia. Identifiers: MedGen C0037772, HP:0001258.
Charlevoix-Saguenay spastic ataxia (SACS). Also called: Spastic ataxia of Charlevoix-Saguenay; SPASTIC ATAXIA 6, AUTOSOMAL RECESSIVE; AUTOSOMAL RECESSIVE SPASTIC ATAXIA OF CHARLEVOIX-SAGUENAY. Identifiers: Orphanet 98, MedGen C1849140, MONDO:0010041, OMIM 270550.
Hereditary spastic paraplegia. Also called: Familial spastic paraparesis. Identifiers: Orphanet 685, MedGen C0037773, MONDO:0019064. Disease mechanism: loss of function.

Allele frequency attached by ClinVar (database versions not stated): gnomAD exomes 0.00058 and 0.00170; ExAC 0.00216; 1000 Genomes Project 0.00479; 1000 Genomes Project 30x 0.00500; gnomAD 0.00649 and 0.00705; TOPMed 0.00771; ESP Exome Variant Server 0.00815.
gnomAD v4.1: 1,868 of 1,614,096 alleles (0.12%); highest among the groups gnomAD compares: African/African-American, 2.2%; 19 homozygotes.

Submissions (7):

Labcorp Genetics (formerly Invitae), Labcorp
Classification: Benign for Spastic paraplegia. Last evaluated: 2026-02-02. Review status: criteria provided, single submitter. Criteria: Invitae Variant Classification Sherloc (09022015). Collection method: clinical testing. Allele origin: germline.

Athena Diagnostics
Classification: Benign. Last evaluated: 2024-12-18. Review status: criteria provided, single submitter. Criteria: Athena Diagnostics Criteria. Collection method: clinical testing. Allele origin: unknown.
Comment: The frequency of this variant in the general population is higher than would generally be expected for pathogenic variants in this gene.

Genome-Nilou Lab
Classification: Benign for Charlevoix-Saguenay spastic ataxia. Last evaluated: 2021-09-05. Review status: criteria provided, single submitter. Criteria: ACMG Guidelines, 2015. Collection method: clinical testing. Allele origin: germline. Affected: no.

Genome Diagnostics Laboratory, The Hospital for Sick Children
Classification: Likely benign for Hereditary spastic paraplegia. Last evaluated: 2020-02-01. Review status: criteria provided, single submitter. Criteria: ACMG Guidelines, 2015. Collection method: clinical testing. Allele origin: germline. Affected: yes.

Mayo Clinic Laboratories, Mayo Clinic
Classification: Benign. Last evaluated: 2019-12-09. Review status: criteria provided, single submitter. Criteria: ACMG Guidelines, 2015. Collection method: clinical testing. Allele origin: germline. Observed: 14 variant alleles.

Illumina Laboratory Services, Illumina
Classification: Uncertain significance for Charlevoix-Saguenay spastic ataxia. Last evaluated: 2018-01-12. Review status: criteria provided, single submitter. Criteria: ICSL Variant Classification Criteria 13 December 2019. Collection method: clinical testing. Allele origin: germline.

Natera, Inc.
Classification: Benign for Charlevoix-Saguenay type spastic ataxia. Last evaluated: 2020-09-16. Review status: no assertion criteria provided. Collection method: clinical testing. Allele origin: germline. Not counted in ClinVar's aggregate classification.